The following is an entry in ClinVar:

ClinVar aggregate classification (germline): Uncertain significance (1 of 4 stars; one submission).

Allele frequency attached by ClinVar (database versions not stated): gnomAD 0.00002 and 0.00003; ExAC 0.00004; TOPMed 0.00004; 1000 Genomes Project 30x 0.00016; 1000 Genomes Project 0.00020.
gnomAD v4.1: 62 of 1,611,882 alleles (0.0038%); highest among the groups gnomAD compares: Middle Eastern, 0.05%; no homozygotes.

Submission:

Labcorp Genetics (formerly Invitae), Labcorp
Classification: Uncertain significance. Last evaluated: 2025-12-10. Review status: criteria provided, single submitter. Criteria: Invitae Variant Classification Sherloc (09022015). Collection method: clinical testing. Allele origin: germline.
Comment: This sequence change replaces alanine, which is neutral and non-polar, with valine, which is neutral and non-polar, at codon 651 of the TRAF3IP1 protein (p.Ala651Val). This variant is present in population databases (rs201250604, gnomAD 0.03%). This variant has not been reported in the literature in individuals affected with TRAF3IP1-related conditions. ClinVar contains an entry for this variant (Variation ID: 1043913). Invitae Evidence Modeling of protein sequence and biophysical properties (such as structural, functional, and spatial information, amino acid conservation, physicochemical variation, residue mobility, and thermodynamic stability) indicates that this missense variant is not expected to disrupt TRAF3IP1 protein function with a negative predictive value of 80%. In summary, the available evidence is currently insufficient to determine the role of this variant in disease. Therefore, it has been classified as a Variant of Uncertain Significance.

NM_015650.4(TRAF3IP1):c.1952C>T (p.Ala651Val)

Gene: TRAF3IP1 (TRAF3 interacting protein 1; plus strand). Cytogenetic location: 2q37.3.
Variant type: single nucleotide variant.
Coding change: c.1952C>T on transcript NM_015650.4 (MANE Select); coding-DNA position 1952, C replaced by T.
Protein change: p.Ala651Val; replaces alanine 651 with valine.
Molecular consequence: missense variant.
Genome position (GRCh38, 1-based): chr2:238,398,795, C>T. VCF-style: chr2-238398795-C-T. GRCh37 (hg19) VCF-style: chr2-239307436-C-T.
Other names: c.1754C>T, p.Ala585Val (NM_001139490.1); short protein forms A585V, A651V.
Identifiers: ClinVar variation 1043913 (VCV001043913.8), dbSNP rs201250604, ClinGen allele CA2198628.
Genomic context (GRCh38, chr2:238,398,795, plus strand): 5'-TGGTTTTGTTCTCCCTCAGGATCACAGACTGTGCCGTGGAGCCCTTAAAGGCTGAGCTCG[C>T]GGAGCTGGAGCAGCTGATCAAAGACCAGCAAGACAAGATCTGTGCTGTGAAGGCCAACAT-3'
Protein context (NP_056465.2, residues 641-661): CAVEPLKAEL[Ala651Val]ELEQLIKDQQ